The following is an entry in ClinVar:

ClinVar aggregate classification (germline): Likely benign (1 of 4 stars; one submission).

Submission:

CeGaT Center for Human Genetics Tuebingen
Classification: Likely benign. Last evaluated: 2026-02-01. Review status: criteria provided, single submitter. Criteria: CeGaT Center For Human Genetics Tuebingen Variant Classification Criteria Version 2. Collection method: clinical testing. Allele origin: germline. Affected: yes. Observed: 1 variant allele.
Comment: ADGRV1: BP4, BS1

NM_032119.4(ADGRV1):c.18433-6_18433-5dup

Gene: ADGRV1 (adhesion G protein-coupled receptor V1; plus strand). Cytogenetic location: 5q14.3.
Variant type: Duplication.
Coding change: c.18433-6_18433-5dup on transcript NM_032119.4 (MANE Select); 6 bases into the intron before coding-DNA position 18433 through 5 bases into the intron before coding-DNA position 18433, 2 bases duplicated (TT; older notation c.18433-6_18433-5dupTT).
Molecular consequence: intron variant.
Genome position (GRCh38, 1-based): chr5:91,150,024-91,150,025, TT duplicated; duplicating any 2 consecutive bases within chr5:91,150,010-91,150,025 gives the same sequence; the c. name uses the placement nearest the transcript's 3' end. VCF-style (leftmost placement, unchanged base first): chr5-91150009-C-CTT. GRCh37 (hg19) VCF-style: chr5-90445826-C-CTT.
Identifiers: ClinVar variation 4821129 (VCV004821129.4).